The following is an entry in ClinVar:

NM_007294.4(BRCA1):c.5223del (p.Asn1742fs)

Gene: BRCA1 (BRCA1 DNA repair associated; minus strand). Cytogenetic location: 17q21.31.
Variant type: Deletion.
Coding change: c.5223del on transcript NM_007294.4 (MANE Select); coding-DNA position 5223, one base deleted (C; older notation c.5223delC).
Protein change: p.Asn1742fs; shifts the reading frame from asparagine 1742.
Molecular consequence: frameshift variant. On other transcripts: non-coding transcript variant (1).
Genome position (GRCh38, 1-based): chr17:43,057,106, G deleted on the plus strand (C on the coding strand, the reverse complement: BRCA1 is on the minus strand). VCF-style (leftmost placement, unchanged base first): chr17-43057105-TG-T. GRCh37 (hg19) VCF-style: chr17-41209122-TG-T.
Other names: c.5097delC, p.Asn1700Metfs (NM_001407675.1, NM_001407678.1, NM_001407679.1 and 10 more transcripts); c.5094delC, p.Asn1699Metfs (NM_001407681.1, NM_001407682.1, NM_001407683.1 and 6 more transcripts); c.4890delC, p.Asn1631Metfs (NM_001407947.1, NM_001407948.1, NM_001407949.1 and 1 more transcripts); c.4887delC, p.Asn1630Metfs (NM_001407950.1, NM_001407951.1, NM_001407952.1 and 3 more transcripts); c.4884delC, p.Asn1629Metfs (NM_001407956.1, NM_001407957.1, NM_001407958.1); c.4842delC, p.Asn1615Metfs (NM_001407959.1); c.4839delC, p.Asn1614Metfs (NM_001407960.1, NM_001407962.1); c.4836delC, p.Asn1613Metfs (NM_001407963.1); and 75 more; short protein forms N1695fs, N638fs, N1763fs, N1742fs.
Identifiers: ClinVar variation 825567 (VCV000825567.5), dbSNP rs1597810843, ClinGen allele CA915950056.

ClinVar aggregate classification (germline): Pathogenic (1 of 4 stars; one submission).

Conditions:
Hereditary cancer-predisposing syndrome. Also called: Neoplastic Syndromes, Hereditary; Tumor predisposition; Hereditary neoplastic syndrome; Hereditary Cancer Syndrome. Identifiers: Orphanet 140162, MedGen C0027672, MeSH D009386, MONDO:0015356.

Submission:

Ambry Genetics
Classification: Pathogenic for Hereditary cancer-predisposing syndrome. Last evaluated: 2018-08-16. Review status: criteria provided, single submitter. Criteria: Ambry Variant Classification Scheme 2023. Collection method: clinical testing. Allele origin: germline.
Comment: The c.5223delC pathogenic mutation, located in coding exon 18 of the BRCA1 gene, results from a deletion of one nucleotide at nucleotide position 5223, causing a translational frameshift with a predicted alternate stop codon (p.N1742Mfs*23). This alteration is expected to result in loss of function by premature protein truncation or nonsense-mediated mRNA decay. As such, this alteration is interpreted as a disease-causing mutation.